The following is an entry in ClinVar:

ClinVar aggregate classification (germline): Benign. Review status: criteria provided, multiple submitters, no conflicts (2 of 4 stars). 3 submissions from 3 submitters: Benign (2). 1 of the submissions does not count toward it. Last evaluated 2020-03-11.

Conditions:
GIGYF1-related disorder. Also called: GIGYF1-related condition.

Allele frequency attached by ClinVar (database versions not stated): gnomAD exomes 0.84485 and 0.84846; ExAC 0.84589; ESP Exome Variant Server 0.85590; 1000 Genomes Project 0.86162; 1000 Genomes Project 30x 0.86274; TOPMed 0.86737.
gnomAD v4.1: 1,361,150 of 1,608,242 alleles (85%); highest among the groups gnomAD compares: East Asian, 95%; 577,090 homozygotes.

Submissions (3):

GeneDx
Classification: Benign. Last evaluated: 2020-03-11. Review status: criteria provided, single submitter. Criteria: GeneDx Variant Classification Process June 2021. Collection method: clinical testing. Allele origin: germline. Affected: yes.

Breakthrough Genomics
Classification: Benign. Review status: criteria provided, single submitter. Criteria: ACMG Guidelines, 2015. Collection method: not provided. Allele origin: germline. Inheritance: Unknown mechanism. Affected: yes.

PreventionGenetics, part of Exact Sciences
Classification: Benign for GIGYF1-related condition. Last evaluated: 2019-10-17. Review status: no assertion criteria provided. Collection method: clinical testing. Allele origin: germline. Not counted in ClinVar's aggregate classification.
Comment: This variant is classified as benign based on ACMG/AMP sequence variant interpretation guidelines (Richards et al. 2015 PMID: 25741868, with internal and published modifications).

NM_001375765.1(GIGYF1):c.1743A>G (p.Pro581=)

Gene: GIGYF1 (GRB10 interacting GYF protein 1; minus strand). Cytogenetic location: 7q22.1.
Variant type: single nucleotide variant.
Coding change: c.1743A>G on transcript NM_001375765.1 (MANE Select); coding-DNA position 1743, A replaced by G.
Protein change: p.Pro581=; no amino-acid change (proline 581 retained).
Molecular consequence: synonymous variant. On other transcripts: non-coding transcript variant (1).
Genome position (GRCh38, 1-based): chr7:100,684,145, T>C on the plus strand (A>G on the coding strand, the complement: GIGYF1 is on the minus strand). VCF-style: chr7-100684145-T-C. GRCh37 (hg19) VCF-style: chr7-100281768-T-C.
Other names: NM_022574.4:c.1743A>G; c.1743A>G, p.Pro581= (NM_001375759.1, NM_001375760.1, NM_001375761.1 and 6 more transcripts).
Identifiers: ClinVar variation 1280351 (VCV001280351.4), dbSNP rs221794, ClinGen allele CA4388432.